The following is an entry in ClinVar:

ClinVar aggregate classification (germline): Uncertain significance (1 of 4 stars; one submission).

Conditions:
Birt-Hogg-Dube syndrome. Also called: Birt Hogg Dubé syndrome. Identifiers: Orphanet 122, MedGen C0346010, MONDO:0800444.

Submission:

Labcorp Genetics (formerly Invitae), Labcorp
Classification: Uncertain significance for Birt-Hogg-Dube syndrome. Last evaluated: 2019-07-24. Review status: criteria provided, single submitter. Criteria: Invitae Variant Classification Sherloc (09022015). Collection method: clinical testing. Allele origin: germline.
Comment: In summary, the available evidence is currently insufficient to determine the role of this variant in disease. Therefore, it has been classified as a Variant of Uncertain Significance. Algorithms developed to predict the effect of missense changes on protein structure and function (SIFT, PolyPhen-2, Align-GVGD) all suggest that this variant is likely to be disruptive, but these predictions have not been confirmed by published functional studies and their clinical significance is uncertain. This variant has not been reported in the literature in individuals with FLCN-related conditions. This variant is not present in population databases (ExAC no frequency). This sequence change replaces serine with asparagine at codon 128 of the FLCN protein (p.Ser128Asn). The serine residue is highly conserved and there is a small physicochemical difference between serine and asparagine.

NM_144997.7(FLCN):c.383G>A (p.Ser128Asn)

Gene: FLCN (folliculin; minus strand). Cytogenetic location: 17p11.2.
Variant type: single nucleotide variant.
Coding change: c.383G>A on transcript NM_144997.7 (MANE Select); coding-DNA position 383, G replaced by A.
Protein change: p.Ser128Asn; replaces serine 128 with asparagine.
Molecular consequence: missense variant.
Genome position (GRCh38, 1-based): chr17:17,226,189, C>T on the plus strand (G>A on the coding strand, the complement: FLCN is on the minus strand). VCF-style: chr17-17226189-C-T. GRCh37 (hg19) VCF-style: chr17-17129503-C-T.
Other names: c.383G>A, p.Ser128Asn (NM_001353229.2, NM_001353230.2, NM_001353231.2 and 1 more transcripts); short protein forms S128N.
Identifiers: ClinVar variation 956224 (VCV000956224.7), dbSNP rs2047242176, ClinGen allele CA398534703.